The following is an entry in ClinVar:

NM_014049.4(ACAD9):c.[1237G>A];[1552C>T]

Variant type: CompoundHeterozygote.
Identifiers: ClinVar variation 424749 (VCV000424749.3).

ClinVar aggregate classification (germline): Pathogenic (0 of 4 stars; one submission).

Conditions:
Acyl-CoA dehydrogenase 9 deficiency. Also called: Acyl-CoA dehydrogenase family, member 9, deficiency of; MITOCHONDRIAL COMPLEX I DEFICIENCY, NUCLEAR TYPE 20. Identifiers: Orphanet 99901, MedGen C4747517, MONDO:0012624, OMIM 611126.

Submission:

Institut IMAGINE, Institut National de la Sante et de la Recherche Medicale
Classification: Pathogenic for cardiac hypertrophy. Last evaluated: 2015-08-28. Review status: no assertion criteria provided. Collection method: clinical testing. Allele origin: germline. Inheritance: Autosomal recessive inheritance. Affected: yes. Observed: 1 variant allele.
Comment: predicted to be deleterious using three different prediction softwares, namely SIFT, MutationTaster and Polyphen-2